The following is an entry in ClinVar:

ClinVar aggregate classification (germline): Conflicting classifications of pathogenicity. Review status: criteria provided, conflicting classifications (1 of 4 stars). 2 submissions from 2 submitters: Uncertain significance (1); Likely benign (1). Last evaluated 2025-10-08.

Allele frequency attached by ClinVar (database versions not stated): gnomAD 0.00001; TOPMed 0.00003; gnomAD exomes 0.00005; ExAC 0.00009.
gnomAD v4.1: 29 of 1,613,974 alleles (0.0018%); highest among the groups gnomAD compares: Admixed American, 0.048%; no homozygotes.

Submissions (2):

Labcorp Genetics (formerly Invitae), Labcorp
Classification: Likely benign. Last evaluated: 2025-10-08. Review status: criteria provided, single submitter. Criteria: Invitae Variant Classification Sherloc (09022015). Collection method: clinical testing. Allele origin: germline.

Women's Health and Genetics/Laboratory Corporation of America, LabCorp
Classification: Uncertain significance. Last evaluated: 2024-01-16. Review status: criteria provided, single submitter. Criteria: LabCorp Variant Classification Summary - May 2015. Collection method: clinical testing. Allele origin: germline.
Comment: Variant summary: FLNB c.317A>G (p.Asn106Ser) results in a conservative amino acid change located in the Calponin homology domain (IPR001715) of the encoded protein sequence. Four of five in-silico tools predict a damaging effect of the variant on protein function. The variant allele was found at a frequency of 9.9e-05 in 251274 control chromosomes (gnomAD). To our knowledge, no occurrence of c.317A>G in individuals affected with Larsen Syndrome and no experimental evidence demonstrating its impact on protein function have been reported. ClinVar contains an entry for this variant (Variation ID: 2172466). Based on the evidence outlined above, the variant was classified as uncertain significance.

NM_001457.4(FLNB):c.317A>G (p.Asn106Ser)

Gene: FLNB (filamin B; plus strand). Cytogenetic location: 3p14.3.
Variant type: single nucleotide variant.
Coding change: c.317A>G on transcript NM_001457.4 (MANE Select); coding-DNA position 317, A replaced by G.
Protein change: p.Asn106Ser; replaces asparagine 106 with serine.
Molecular consequence: missense variant.
Genome position (GRCh38, 1-based): chr3:58,077,070, A>G. VCF-style: chr3-58077070-A-G. GRCh37 (hg19) VCF-style: chr3-58062797-A-G.
Other names: c.317A>G, p.Asn106Ser (NM_001164317.2, NM_001164318.2, NM_001164319.2); short protein forms N106S.
Identifiers: ClinVar variation 2172466 (VCV002172466.5), dbSNP rs771943943, ClinGen allele CA2467509.